The following is an entry in ClinVar:

ClinVar aggregate classification (germline): Uncertain significance (1 of 4 stars; one submission).

Submission:

Labcorp Genetics (formerly Invitae), Labcorp
Classification: Uncertain significance. Last evaluated: 2022-10-17. Review status: criteria provided, single submitter. Criteria: Invitae Variant Classification Sherloc (09022015). Collection method: clinical testing. Allele origin: germline.
Comment: In summary, the available evidence is currently insufficient to determine the role of this variant in disease. Therefore, it has been classified as a Variant of Uncertain Significance. Algorithms developed to predict the effect of missense changes on protein structure and function are either unavailable or do not agree on the potential impact of this missense change (SIFT: "Tolerated"; PolyPhen-2: "Probably Damaging"; Align-GVGD: "Class C0"). This variant has not been reported in the literature in individuals affected with MCM3AP-related conditions. This variant is not present in population databases (gnomAD no frequency). This sequence change replaces proline, which is neutral and non-polar, with histidine, which is basic and polar, at codon 1286 of the MCM3AP protein (p.Pro1286His).

NM_003906.5(MCM3AP):c.3857C>A (p.Pro1286His)

Gene: MCM3AP (minichromosome maintenance complex component 3 associated protein; minus strand). Cytogenetic location: 21q22.3.
Variant type: single nucleotide variant.
Coding change: c.3857C>A on transcript NM_003906.5 (MANE Select); coding-DNA position 3857, C replaced by A.
Protein change: p.Pro1286His; replaces proline 1286 with histidine.
Molecular consequence: missense variant.
Genome position (GRCh38, 1-based): chr21:46,256,864, G>T on the plus strand (C>A on the coding strand, the complement: MCM3AP is on the minus strand). VCF-style: chr21-46256864-G-T. GRCh37 (hg19) VCF-style: chr21-47676778-G-T.
Other names: short protein forms P1286H.
Identifiers: ClinVar variation 1715094 (VCV001715094.5), dbSNP rs2517361591, ClinGen allele CA410550947.